The following is an entry in ClinVar:

ClinVar aggregate classification (germline): Uncertain significance. Review status: criteria provided, multiple submitters, no conflicts (2 of 4 stars). 2 submissions from 2 submitters: Uncertain significance (2). Last evaluated 2025-09-10.

Conditions:
Inborn genetic diseases. Identifiers: MedGen C0950123, MeSH D030342.

Allele frequency attached by ClinVar (database versions not stated): gnomAD exomes below 0.00001.

Submissions (2):

Labcorp Genetics (formerly Invitae), Labcorp
Classification: Uncertain significance. Last evaluated: 2025-09-10. Review status: criteria provided, single submitter. Criteria: Invitae Variant Classification Sherloc (09022015). Collection method: clinical testing. Allele origin: germline.
Comment: This sequence change replaces isoleucine, which is neutral and non-polar, with valine, which is neutral and non-polar, at codon 332 of the ETV6 protein (p.Ile332Val). This variant is present in population databases (no rsID available, gnomAD 0.0009%). This variant has not been reported in the literature in individuals affected with ETV6-related conditions. ClinVar contains an entry for this variant (Variation ID: 2964006). Invitae Evidence Modeling of protein sequence and biophysical properties (such as structural, functional, and spatial information, amino acid conservation, physicochemical variation, residue mobility, and thermodynamic stability) indicates that this missense variant is not expected to disrupt ETV6 protein function with a negative predictive value of 80%. In summary, the available evidence is currently insufficient to determine the role of this variant in disease. Therefore, it has been classified as a Variant of Uncertain Significance.

Ambry Genetics
Classification: Uncertain significance for Inborn genetic diseases. Last evaluated: 2025-02-03. Review status: criteria provided, single submitter. Criteria: Ambry Variant Classification Scheme 2023. Collection method: clinical testing. Allele origin: germline.
Comment: The p.I332V variant (also known as c.994A>G), located in coding exon 5 of the ETV6 gene, results from an A to G substitution at nucleotide position 994. The isoleucine at codon 332 is replaced by valine, an amino acid with highly similar properties. This amino acid position is conserved. In addition, this alteration is predicted to be tolerated by in silico analysis. Based on the available evidence, the clinical significance of this variant remains unclear.

NM_001987.5(ETV6):c.994A>G (p.Ile332Val)

Gene: ETV6 (ETS variant transcription factor 6; plus strand). Cytogenetic location: 12p13.2.
Variant type: single nucleotide variant.
Coding change: c.994A>G on transcript NM_001987.5 (MANE Select); coding-DNA position 994, A replaced by G.
Protein change: p.Ile332Val; replaces isoleucine 332 with valine.
Molecular consequence: missense variant.
Genome position (GRCh38, 1-based): chr12:11,869,954, A>G. VCF-style: chr12-11869954-A-G. GRCh37 (hg19) VCF-style: chr12-12022888-A-G.
Other names: c.991A>G, p.Ile331Val (NM_001413913.1); c.967A>G, p.Ile323Val (NM_001413914.1); c.730A>G, p.Ile244Val (NM_001413915.1); c.994A>G, p.Ile332Val (NM_001413916.1, NM_001413917.1); short protein forms I323V, I331V, I332V, I244V.
Identifiers: ClinVar variation 2964006 (VCV002964006.4), dbSNP rs1246069965, ClinGen allele CA384044408.
Genomic context (GRCh38, chr12:11,869,954, plus strand): 5'-CTGGCTTACATGAACCACATCATGGTCTCTGTCTCCCCGCCTGAAGAGCACGCCATGCCC[A>G]TTGGGAGAATAGCAGGTGAGTGAGTTCCCCTCTCGCCGCTCCAGCATCATGGGGACCTGA-3'
Protein context (NP_001978.1, residues 322-342): VSPPEEHAMP[Ile332Val]GRIADCRLLW